The following is an entry in ClinVar:

ClinVar aggregate classification (germline): Likely pathogenic (1 of 4 stars; one submission).

Conditions:
Orofacial cleft 6, susceptibility to (OFC6). Also called: CLEFT LIP WITH OR WITHOUT CLEFT PALATE, NONSYNDROMIC, 6. Identifiers: MedGen C1837213, MONDO:0012141, OMIM 608864.
Popliteal pterygium syndrome (PPS). Identifiers: Orphanet 294963, MedGen C0265259, MONDO:0017435.
Van der Woude syndrome. Identifiers: Orphanet 888, MedGen C0175697, MONDO:0019508.

Submission:

Labcorp Genetics (formerly Invitae), Labcorp
Classification: Likely pathogenic for Orofacial cleft 6, susceptibility to; Van der Woude syndrome; Popliteal pterygium syndrome. Last evaluated: 2017-02-06. Review status: criteria provided, single submitter. Criteria: Invitae Variant Classification Sherloc (09022015). Collection method: clinical testing. Allele origin: germline.
Comment: This variant is not present in population databases (ExAC no frequency). In summary, this variant is a rare missense change that has been observed to occur de novo in an individual with IRF6-related disease. This evidence indicates that the variant is pathogenic, but additional data is needed to prove that conclusively. Therefore, this variant has been classified as Likely Pathogenic. Algorithms developed to predict the effect of missense changes on protein structure and function (SIFT, PolyPhen-2, Align-GVGD) all suggest that this variant is likely to be disruptive, but these predictions have not been confirmed by published functional studies. This variant has been reported in a study that compiled previously observed variants from individuals affected with van der Woude syndrome (PMID: 23154523). However, the primary source cited in this publication is not publicly accessible. This sequence change replaces lysine with glutamic acid at codon 78 of the IRF6 protein (p.Lys78Glu). The lysine residue is highly conserved and there is a small physicochemical difference between lysine and glutamic acid.

Literature cited by the submitters: PubMed 23154523.

NM_006147.4(IRF6):c.232A>G (p.Lys78Glu)

Gene: IRF6 (interferon regulatory factor 6; minus strand). Cytogenetic location: 1q32.2.
Variant type: single nucleotide variant.
Coding change: c.232A>G on transcript NM_006147.4 (MANE Select); coding-DNA position 232, A replaced by G.
Protein change: p.Lys78Glu; replaces lysine 78 with glutamic acid.
Molecular consequence: missense variant. On other transcripts: 5 prime UTR variant (1).
Genome position (GRCh38, 1-based): chr1:209,796,495, T>C on the plus strand (A>G on the coding strand, the complement: IRF6 is on the minus strand). VCF-style: chr1-209796495-T-C. GRCh37 (hg19) VCF-style: chr1-209969840-T-C.
Other names: c.-54A>G (NM_001206696.2); short protein forms K78E.
Identifiers: ClinVar variation 458683 (VCV000458683.10), dbSNP rs1553248271, ClinGen allele CA344583446.